The following is an entry in ClinVar:

ClinVar aggregate classification (germline): Uncertain significance (1 of 4 stars; one submission).

gnomAD v4.1: 2 of 1,613,616 alleles (0.00012%); highest among the groups gnomAD compares: East Asian, 0.0045%; no homozygotes.

Submission:

GeneDx
Classification: Uncertain significance. Last evaluated: 2026-03-22. Review status: criteria provided, single submitter. Criteria: GeneDx Variant Classification Process June 2021. Collection method: clinical testing. Allele origin: germline.
Comment: In silico analysis supports that this missense variant has a deleterious effect on protein structure/function; Has not been previously published as pathogenic or benign to our knowledge

NM_012470.4(TNPO3):c.566A>G (p.Glu189Gly)

Gene: TNPO3 (transportin 3; minus strand). Cytogenetic location: 7q32.1.
Variant type: single nucleotide variant.
Coding change: c.566A>G on transcript NM_012470.4 (MANE Select); coding-DNA position 566, A replaced by G.
Protein change: p.Glu189Gly; replaces glutamic acid 189 with glycine.
Molecular consequence: missense variant. On other transcripts: non-coding transcript variant (18), intron variant (1).
Genome position (GRCh38, 1-based): chr7:129,005,146, T>C on the plus strand (A>G on the coding strand, the complement: TNPO3 is on the minus strand). VCF-style: chr7-129005146-T-C. GRCh37 (hg19) VCF-style: chr7-128645200-T-C.
Other names: c.566A>G, p.Glu189Gly (NM_001191028.3, NM_001382216.1, NM_001382218.1 and 4 more transcripts); c.647A>G, p.Glu216Gly (NM_001382217.1); c.553-3912A>G (NM_001382221.1); short protein forms E189G, E216G.
Identifiers: ClinVar variation 5017037 (VCV005017037.1).